The following is an entry in ClinVar:

NM_012463.4(ATP6V0A2):c.484G>C (p.Asp162His)

Gene: ATP6V0A2 (ATPase H+ transporting V0 subunit a2; plus strand). Cytogenetic location: 12q24.31.
Variant type: single nucleotide variant.
Coding change: c.484G>C on transcript NM_012463.4 (MANE Select); coding-DNA position 484, G replaced by C.
Protein change: p.Asp162His; replaces aspartic acid 162 with histidine.
Molecular consequence: missense variant.
Genome position (GRCh38, 1-based): chr12:123,726,248, G>C. VCF-style: chr12-123726248-G-C. GRCh37 (hg19) VCF-style: chr12-124210795-G-C.
Other names: short protein forms D162H.
Identifiers: ClinVar variation 5040095 (VCV005040095.1).

ClinVar aggregate classification (germline): Uncertain significance (1 of 4 stars; one submission).

Submission:

CeGaT Center for Human Genetics Tuebingen
Classification: Uncertain significance. Last evaluated: 2026-07-01. Review status: criteria provided, single submitter. Criteria: CeGaT Center For Human Genetics Tuebingen Variant Classification Criteria Version 2. Collection method: clinical testing. Allele origin: germline. Affected: yes. Observed: 1 variant allele.
Comment: ATP6V0A2: PM1, PP3